The following is an entry in ClinVar:

NM_144643.4(SCLT1):c.427_428delinsAT (p.Glu143Ile)

Gene: SCLT1 (sodium channel and clathrin linker 1; minus strand). Cytogenetic location: 4q28.2.
Variant type: Indel.
Coding change: c.427_428delinsAT on transcript NM_144643.4 (MANE Select); coding-DNA positions 427 to 428, GA replaced by AT.
Protein change: p.Glu143Ile; replaces glutamic acid 143 with isoleucine.
Molecular consequence: missense variant.
Genome position (GRCh38, 1-based): chr4:128,999,793-128,999,794, TC replaced by AT on the plus strand (GA replaced by AT on the coding strand, the reverse complement: SCLT1 is on the minus strand). VCF-style: chr4-128999793-TC-AT. GRCh37 (hg19) VCF-style: chr4-129920948-TC-AT.
Other names: c.427_428delinsAT, p.Glu143Ile (NM_001410807.1); short protein forms E143I.
Identifiers: ClinVar variation 4992732 (VCV004992732.1).

ClinVar aggregate classification (germline): Uncertain significance (1 of 4 stars; one submission).

Conditions:
SCLT1-related disorder. Also called: SCLT1-related condition.

Submission:

PreventionGenetics, part of Exact Sciences
Classification: Uncertain significance for SCLT1-related condition. Last evaluated: 2026-08-28. Review status: criteria provided, single submitter. Criteria: ACMG Guidelines, 2015. Collection method: clinical testing. Allele origin: germline.
Comment: The SCLT1 c.427_428delinsAT variant is predicted to result in an in-frame deletion and insertion. This variant impacts the last two nucleotides of exon seven and is predicted to alter splicing based on a splicing prediction tool. To our knowledge, this variant has not been reported in the literature or in a large population database (gnomAD), indicating this variant is rare. At this time, the clinical significance of this variant is uncertain due to the absence of conclusive functional and genetic evidence.